The following is an entry in ClinVar:

ClinVar aggregate classification (germline): Uncertain significance (1 of 4 stars; one submission).

gnomAD v4.1: 6 of 1,611,934 alleles (0.00037%); highest among the groups gnomAD compares: Non-Finnish European, 0.00051%; no homozygotes.

Submission:

Ambry Genetics
Classification: Uncertain significance. Last evaluated: 2025-01-25. Review status: criteria provided, single submitter. Criteria: Ambry Variant Classification Scheme 2023. Collection method: clinical testing. Allele origin: germline.
Comment: The p.S1993N variant (also known as c.5978G>A), located in coding exon 24 of the WNK2 gene, results from a G to A substitution at nucleotide position 5978. The serine at codon 1993 is replaced by asparagine, an amino acid with highly similar properties. This amino acid position is conserved. In addition, this alteration is predicted to be tolerated by in silico analysis. Based on the available evidence, the clinical significance of this variant remains unclear.

NM_006648.4(WNK2):c.5978G>A (p.Ser1993Asn)

Gene: WNK2 (WNK lysine deficient protein kinase 2; plus strand). Cytogenetic location: 9q22.31.
Variant type: single nucleotide variant.
Coding change: c.5978G>A on transcript NM_006648.4 (MANE Select); coding-DNA position 5978, G replaced by A.
Protein change: p.Ser1993Asn; replaces serine 1993 with asparagine.
Molecular consequence: missense variant.
Genome position (GRCh38, 1-based): chr9:93,299,124, G>A. VCF-style: chr9-93299124-G-A. GRCh37 (hg19) VCF-style: chr9-96061406-G-A.
Other names: c.6089G>A, p.Ser2030Asn (NM_001282394.3); short protein forms S2030N, S1993N.
Identifiers: ClinVar variation 3816925 (VCV003816925.1).
Genomic context (GRCh38, chr9:93,299,124, plus strand): 5'-GCCCAGGTCACTTGGCTGACTCCAGCAGAGGCCCTCCCGCTAAGGACCCTGCCCAAGCCA[G>A]TGTGGGGCTCACTGCAGACAGCACGGGCCTGAGCGGGAAGGCAGTGCAGACCCAGCAGCC-3'
Protein context (NP_006639.3, residues 1983-2003): GPPAKDPAQA[Ser1993Asn]VGLTADSTGL